The following is an entry in ClinVar:

NM_021927.3(GUF1):c.113C>A (p.Ala38Asp)

Genes: GUF1 (GTP binding elongation factor GUF1; plus strand), LOC129992541 (ATAC-STARR-seq lymphoblastoid silent region 15397; plus strand). Cytogenetic location: 4p12.
Variant type: single nucleotide variant.
Coding change: c.113C>A on transcript NM_021927.3 (MANE Select); coding-DNA position 113, C replaced by A.
Protein change: p.Ala38Asp; replaces alanine 38 with aspartic acid.
Molecular consequence: missense variant. On other transcripts: 5 prime UTR variant (2).
Genome position (GRCh38, 1-based): chr4:44,678,735, C>A. VCF-style: chr4-44678735-C-A. GRCh37 (hg19) VCF-style: chr4-44680752-C-A.
Other names: c.-856C>A (NM_001345867.2); c.113C>A, p.Ala38Asp (NM_001345868.2); c.-748C>A (NM_001345869.2); short protein forms A38D.
Identifiers: ClinVar variation 2796108 (VCV002796108.3), dbSNP rs2545485571, ClinGen allele CA356759995.

ClinVar aggregate classification (germline): Uncertain significance (1 of 4 stars; one submission).

Submission:

Labcorp Genetics (formerly Invitae), Labcorp
Classification: Uncertain significance. Last evaluated: 2023-06-21. Review status: criteria provided, single submitter. Criteria: Invitae Variant Classification Sherloc (09022015). Collection method: clinical testing. Allele origin: germline.
Comment: In summary, the available evidence is currently insufficient to determine the role of this variant in disease. Therefore, it has been classified as a Variant of Uncertain Significance. An algorithm developed to predict the effect of missense changes on protein structure and function (PolyPhen-2) suggests that this variant is likely to be tolerated. This variant has not been reported in the literature in individuals affected with GUF1-related conditions. This variant is not present in population databases (gnomAD no frequency). This sequence change replaces alanine, which is neutral and non-polar, with aspartic acid, which is acidic and polar, at codon 38 of the GUF1 protein (p.Ala38Asp).